The following is an entry in ClinVar:

NM_000051.4(ATM):c.6359A>G (p.Glu2120Gly)

Genes: ATM (ATM serine/threonine kinase; plus strand), C11orf65 (chromosome 11 open reading frame 65; minus strand). Cytogenetic location: 11q22.3.
Variant type: single nucleotide variant.
Coding change: c.6359A>G on transcript NM_000051.4 (MANE Select); coding-DNA position 6359, A replaced by G.
Protein change: p.Glu2120Gly; replaces glutamic acid 2120 with glycine.
Molecular consequence: missense variant. On other transcripts: intron variant (2).
Genome position (GRCh38, 1-based): chr11:108,319,965, A>G. VCF-style: chr11-108319965-A-G. GRCh37 (hg19) VCF-style: chr11-108190692-A-G.
Other names: c.6359A>G, p.Glu2120Gly (NM_001351834.2); c.641-10894T>C (NM_001330368.2); c.*39-10894T>C (NM_001351110.2); short protein forms E2120G.
Identifiers: ClinVar variation 1464390 (VCV001464390.4), dbSNP rs1591099714, ClinGen allele CA382553189.

ClinVar aggregate classification (germline): Uncertain significance (1 of 4 stars; one submission).

Conditions:
Ataxia-telangiectasia syndrome (AT). Also called: LOUIS-BAR SYNDROME; Cerebello-oculocutaneous telangiectasia; Immunodeficiency with ataxia telangiectasia; Ataxia telangiectasia (A-T); Ataxia-telangiectasia, complementation group D; AT, COMPLEMENTATION GROUP C. Identifiers: Orphanet 100, MedGen C0004135, MONDO:0008840, OMIM 208900.

Submission:

Labcorp Genetics (formerly Invitae), Labcorp
Classification: Uncertain significance for Ataxia-telangiectasia syndrome. Last evaluated: 2022-05-12. Review status: criteria provided, single submitter. Criteria: Invitae Variant Classification Sherloc (09022015). Collection method: clinical testing. Allele origin: germline.
Comment: This sequence change replaces glutamic acid, which is acidic and polar, with glycine, which is neutral and non-polar, at codon 2120 of the ATM protein (p.Glu2120Gly). This variant is not present in population databases (gnomAD no frequency). This variant has not been reported in the literature in individuals affected with ATM-related conditions. Advanced modeling of protein sequence and biophysical properties (such as structural, functional, and spatial information, amino acid conservation, physicochemical variation, residue mobility, and thermodynamic stability) performed at Invitae indicates that this missense variant is not expected to disrupt ATM protein function. In summary, the available evidence is currently insufficient to determine the role of this variant in disease. Therefore, it has been classified as a Variant of Uncertain Significance.